The following is an entry in ClinVar:

NM_001035.3(RYR2):c.13666G>C (p.Ala4556Pro)

Gene: RYR2 (ryanodine receptor 2; plus strand). Cytogenetic location: 1q43.
Variant type: single nucleotide variant.
Coding change: c.13666G>C on transcript NM_001035.3 (MANE Select); coding-DNA position 13666, G replaced by C.
Protein change: p.Ala4556Pro; replaces alanine 4556 with proline.
Molecular consequence: missense variant.
Genome position (GRCh38, 1-based): chr1:237,792,207, G>C. VCF-style: chr1-237792207-G-C. GRCh37 (hg19) VCF-style: chr1-237955507-G-C.
Other names: p.A4556P:GCA>CCA; c.13666G>C, p.Ala4556Pro (LRG_402t1); short protein forms A4556P.
Identifiers: ClinVar variation 201351 (VCV000201351.30), dbSNP rs189345192, ClinGen allele CA008012.

ClinVar aggregate classification (germline): Uncertain significance. Review status: criteria provided, multiple submitters, no conflicts (2 of 4 stars). 8 submissions from 8 submitters: Uncertain significance (8). Last evaluated 2026-03-01.

Conditions:
Ventricular arrhythmias due to cardiac ryanodine receptor calcium release deficiency syndrome. Also called: Autosomal dominant cardiac arrhythmia (Kuhn). Identifiers: MedGen C5542154, MONDO:0020745, OMIM 115000.
Arrhythmogenic right ventricular dysplasia 2. Identifiers: MedGen C1832931.
Catecholaminergic polymorphic ventricular tachycardia 1. Also called: RYR2-Related Catecholaminergic Polymorphic Ventricular Tachycardia; VENTRICULAR TACHYCARDIA, CATECHOLAMINERGIC POLYMORPHIC, 1, WITH OR WITHOUT ATRIAL DYSFUNCTION AND/OR DILATED CARDIOMYOPATHY; VENTRICULAR TACHYCARDIA, STRESS-INDUCED POLYMORPHIC 1. Identifiers: Orphanet 3286, MedGen C1631597, MONDO:0011484, OMIM 604772.
Cardiovascular phenotype. Identifiers: MedGen CN230736.
Catecholaminergic polymorphic ventricular tachycardia (CVPT). Also called: Catecholamine-induced polymorphic ventricular tachycardia. Identifiers: Orphanet 3286, MedGen C5574922, MONDO:0017990.
Cardiomyopathy (CMYO). Also called: Cardiomyopathies. Identifiers: Orphanet 167848, MedGen C0878544, MONDO:0004994, HP:0001638. Inheritance: Various modes of inheritance.

gnomAD v4.1: 6 of 1,613,526 alleles (0.00037%); highest among the groups gnomAD compares: Non-Finnish European, 0.00051%; no homozygotes.

Submissions (8):

CeGaT Center for Human Genetics Tuebingen
Classification: Uncertain significance. Last evaluated: 2026-03-01. Review status: criteria provided, single submitter. Criteria: CeGaT Center For Human Genetics Tuebingen Variant Classification Criteria Version 2. Collection method: clinical testing. Allele origin: germline. Affected: yes. Observed: 1 variant allele.
Comment: RYR2: PM2:Supporting

Color Diagnostics, LLC DBA Color Health
Classification: Uncertain significance for Cardiomyopathy. Last evaluated: 2025-05-13. Review status: criteria provided, single submitter. Criteria: ACMG Guidelines, 2015. Collection method: clinical testing. Allele origin: germline.
Comment: This missense variant replaces alanine with proline at codon 4556 of the RYR2 protein. Computational prediction tool is inconclusive regarding the impact of this variant on protein structure and function. To our knowledge, functional studies have not been reported for this variant. This variant has been reported in an individual affected with left ventricular noncompaction and in an individual affected with left ventricular hypertrabeculationboth of these individuals also carried a pathogenic truncation variant in the FLNC gene (PMID: 28798025). This variant has not been identified in the general population by the Genome Aggregation Database (gnomAD). The available evidence is insufficient to determine the role of this variant in disease conclusively. Therefore, this variant is classified as a Variant of Uncertain Significance.

All of Us Research Program, National Institutes of Health
Classification: Uncertain significance for Catecholaminergic polymorphic ventricular tachycardia. Last evaluated: 2024-09-23. Review status: criteria provided, single submitter. Criteria: ACMG Guidelines, 2015. Collection method: clinical testing. Allele origin: germline. Inheritance: Autosomal dominant inheritance. Observed: 5 variant alleles, 5 heterozygotes.
Comment: This missense variant replaces alanine with proline at codon 4556 of the RYR2 protein. Computational prediction is inconclusive regarding the impact of this variant on protein structure and function (internally defined REVEL score threshold 0.5 < inconclusive < 0.7, PMID: 27666373). To our knowledge, functional studies have not been reported for this variant. This variant has not been reported in individuals affected with RYR2-related disorders in the literature. This variant has not been identified in the general population by the Genome Aggregation Database (gnomAD). The available evidence is insufficient to determine the role of this variant in disease conclusively. Therefore, this variant is classified as a Variant of Uncertain Significance.

This study involves interpretation of variants in research participants for the purpose of population health screening. Participant phenotype was not available at the time of variant classification. Additional details can be found in publication PMID: 35346344, PMCID: PMC8962531

Labcorp Genetics (formerly Invitae), Labcorp
Classification: Uncertain significance for Catecholaminergic polymorphic ventricular tachycardia 1. Last evaluated: 2024-09-06. Review status: criteria provided, single submitter. Criteria: Invitae Variant Classification Sherloc (09022015). Collection method: clinical testing. Allele origin: germline.
Comment: This sequence change replaces alanine, which is neutral and non-polar, with proline, which is neutral and non-polar, at codon 4556 of the RYR2 protein (p.Ala4556Pro). This variant is not present in population databases (gnomAD no frequency). This missense change has been observed in individual(s) with left ventricular non-compaction (PMID: 28798025). ClinVar contains an entry for this variant (Variation ID: 201351). Invitae Evidence Modeling of protein sequence and biophysical properties (such as structural, functional, and spatial information, amino acid conservation, physicochemical variation, residue mobility, and thermodynamic stability) indicates that this missense variant is not expected to disrupt RYR2 protein function with a negative predictive value of 95%. In summary, the available evidence is currently insufficient to determine the role of this variant in disease. Therefore, it has been classified as a Variant of Uncertain Significance.

GeneDx
Classification: Uncertain significance. Last evaluated: 2024-03-19. Review status: criteria provided, single submitter. Criteria: GeneDx Variant Classification Process June 2021. Collection method: clinical testing. Allele origin: germline. Affected: yes.
Comment: Not observed at significant frequency in large population cohorts (gnomAD); Located in one of the three hot-spot regions of the RYR2 gene, where the majority of pathogenic missense variants occur (PMID: 19926015); Identified in two individuals from the same family with left ventricular non-compaction who harbored another variant in the FLNC gene (PMID: 28798025); In silico analysis supports that this missense variant does not alter protein structure/function; This variant is associated with the following publications: (PMID: 26582918, 28798025, 19926015)

Ambry Genetics
Classification: Uncertain significance for Cardiovascular phenotype. Last evaluated: 2023-12-27. Review status: criteria provided, single submitter. Criteria: Ambry Variant Classification Scheme 2023. Collection method: clinical testing. Allele origin: germline.
Comment: The p.A4556P variant (also known as c.13666G>C), located in coding exon 94 of the RYR2 gene, results from a G to C substitution at nucleotide position 13666. The alanine at codon 4556 is replaced by proline, an amino acid with highly similar properties. This variant co-occurred with a nonsense variant in FLNC in a family with cardiac non-compaction or hypertrabeculation (Miszalski-Jamka K et al. Circ Cardiovasc Genet, 2017 Aug;10:[ePub ahead of print]). This amino acid position is not well conserved in available vertebrate species. In addition, this alteration is predicted to be deleterious by in silico analysis. Since supporting evidence is limited at this time, the clinical significance of this alteration remains unclear.

Fulgent Genetics
Classification: Uncertain significance for Ventricular arrhythmias due to cardiac ryanodine receptor calcium release deficiency syndrome; Catecholaminergic polymorphic ventricular tachycardia 1. Last evaluated: 2021-08-13. Review status: criteria provided, single submitter. Criteria: ACMG Guidelines, 2015. Collection method: clinical testing. Allele origin: unknown.

ARUP Laboratories, Molecular Genetics and Genomics, ARUP Laboratories
Classification: Uncertain significance. Last evaluated: 2021-01-04. Review status: criteria provided, single submitter. Criteria: ARUP Molecular Germline Variant Investigation Process 2021. Collection method: clinical testing. Allele origin: germline.
Comment: The RYR2 c.13666G>C; p.Ala4556Pro variant (rs189345192) is reported in the literature in an individual with left ventricular hypertrabeculation who also harbored a pathogenic variant in FLNC (Miszalski-Jamka 2017). This variant is also reported in ClinVar (Variation ID: 201351). This variant is absent from general population databases (Exome Variant Server, Genome Aggregation Database), indicating it is not a common polymorphism. The alanine at codon 4556 is weakly conserved, and computational analyses are uncertain whether this variant is neutral or deleterious (REVEL: 0.647). Due to limited information, the clinical significance of the p.Ala4556Pro variant is uncertain at this time.

Literature cited by the submitters: PubMed 28798025 (cited by 3 submitters); PubMed 23671135 (cited by Ambry Genetics); PubMed 27538377 (cited by Ambry Genetics).